The following is an entry in ClinVar:

NM_001018115.3(FANCD2):c.3043T>C (p.Cys1015Arg)

Gene: FANCD2 (FA complementation group D2; plus strand). Cytogenetic location: 3p25.3.
Variant type: single nucleotide variant.
Coding change: c.3043T>C on transcript NM_001018115.3 (MANE Select); coding-DNA position 3043, T replaced by C.
Protein change: p.Cys1015Arg; replaces cysteine 1015 with arginine.
Molecular consequence: missense variant.
Genome position (GRCh38, 1-based): chr3:10,081,166, T>C. VCF-style: chr3-10081166-T-C. GRCh37 (hg19) VCF-style: chr3-10122850-T-C.
Other names: c.3043T>C, p.Cys1015Arg (NM_001319984.2, NM_001374254.1, NM_033084.6); c.2932T>C, p.Cys978Arg (NM_001374253.1); short protein forms C1015R, C978R.
Identifiers: ClinVar variation 1361710 (VCV001361710.8), dbSNP rs2125059575, ClinGen allele CA351747485.

ClinVar aggregate classification (germline): Uncertain significance (1 of 4 stars; one submission).

Conditions:
Fanconi anemia (FA). Also called: Fanconi's anemia. Identifiers: Orphanet 84, MedGen C0015625, MeSH D005199, MONDO:0019391.

Submission:

Labcorp Genetics (formerly Invitae), Labcorp
Classification: Uncertain significance for Fanconi anemia. Last evaluated: 2023-12-07. Review status: criteria provided, single submitter. Criteria: Invitae Variant Classification Sherloc (09022015). Collection method: clinical testing. Allele origin: germline.
Comment: This sequence change replaces cysteine, which is neutral and slightly polar, with arginine, which is basic and polar, at codon 1015 of the FANCD2 protein (p.Cys1015Arg). This variant is not present in population databases (gnomAD no frequency). This variant has not been reported in the literature in individuals affected with FANCD2-related conditions. ClinVar contains an entry for this variant (Variation ID: 1361710). Advanced modeling of protein sequence and biophysical properties (such as structural, functional, and spatial information, amino acid conservation, physicochemical variation, residue mobility, and thermodynamic stability) performed at Invitae indicates that this missense variant is not expected to disrupt FANCD2 protein function with a negative predictive value of 80%. In summary, the available evidence is currently insufficient to determine the role of this variant in disease. Therefore, it has been classified as a Variant of Uncertain Significance.